The following is an entry in ClinVar:

NM_001080476.3(GRXCR1):c.627+19A>T

Gene: GRXCR1 (glutaredoxin and cysteine rich domain containing 1; plus strand). Cytogenetic location: 4p13.
Variant type: single nucleotide variant.
Coding change: c.627+19A>T on transcript NM_001080476.3 (MANE Select); 19 bases into the intron after coding-DNA position 627, A replaced by T.
Molecular consequence: intron variant.
Genome position (GRCh38, 1-based): chr4:42,963,153, A>T. VCF-style: chr4-42963153-A-T. GRCh37 (hg19) VCF-style: chr4-42965170-A-T.
Other names: NC_000004.11:g.42965170A>T; IVS2, A-T, +19.
Identifiers: ClinVar variation 194 (VCV000000194.8), dbSNP rs201824235, ClinGen allele CA114032.

ClinVar aggregate classification (germline): Uncertain significance. Review status: criteria provided, multiple submitters, no conflicts (2 of 4 stars). 3 submissions from 3 submitters: Uncertain significance (2). 1 of the submissions does not count toward it. Last evaluated 2026-07-29.

Conditions:
Autosomal recessive nonsyndromic hearing loss 25. Identifiers: Orphanet 90636, MedGen C1414017, MONDO:0013210, OMIM 613285.

Allele frequency attached by ClinVar (database versions not stated): TOPMed 0.00018; gnomAD 0.00019 and 0.00021; gnomAD exomes 0.00024 and 0.00035; ESP Exome Variant Server 0.00033; ExAC 0.00041.
gnomAD v4.1: 522 of 1,611,706 alleles (0.032%); highest among the groups gnomAD compares: Non-Finnish European, 0.042%; no homozygotes.

Submissions (4):

GeneDx
Classification: Uncertain significance. Last evaluated: 2026-07-29. Review status: criteria provided, single submitter. Criteria: GeneDx Variant Classification Process June 2021. Collection method: clinical testing. Allele origin: germline.
Comment: In silico analysis suggests this variant may impact gene splicing. In the absence of RNA/functional studies, the actual effect of this sequence change is unknown.; This variant is associated with the following publications: (PMID: 30665703, 20137778)

Blueprint Genetics
Classification: Uncertain significance. Last evaluated: 2024-11-04. Review status: criteria provided, single submitter. Criteria: ACMG Guidelines, 2015. Collection method: clinical testing. Allele origin: germline.

OMIM
Classification: Pathogenic for DEAFNESS, AUTOSOMAL RECESSIVE 25. Last evaluated: 2010-02-12. Review status: no assertion criteria provided. Collection method: literature only. Allele origin: germline. Not counted in ClinVar's aggregate classification.

Dr. Peter K. Rogan Lab, Western University
No classification provided (evidence only). Condition: Lung cancer. Review status: no classification provided. Collection method: in vitro. Allele origin: not applicable. Functional consequence: retained intron. Not counted in ClinVar's aggregate classification.

Literature cited by the submitters: PubMed 20137778 (cited by OMIM).